The following is an entry in ClinVar:

NM_001458.5(FLNC):c.5919T>A (p.Asp1973Glu)

Genes: FLNC-AS1 (FLNC antisense RNA 1; minus strand), FLNC (filamin C; plus strand). Cytogenetic location: 7q32.1.
Variant type: single nucleotide variant.
Coding change: c.5919T>A on transcript NM_001458.5 (MANE Select); coding-DNA position 5919, T replaced by A.
Protein change: p.Asp1973Glu; replaces aspartic acid 1973 with glutamic acid.
Molecular consequence: missense variant.
Genome position (GRCh38, 1-based): chr7:128,852,667, T>A. VCF-style: chr7-128852667-T-A. GRCh37 (hg19) VCF-style: chr7-128492721-T-A.
Other names: c.5919T>A (NM_001458.4); c.5820T>A, p.Asp1940Glu (NM_001127487.2); short protein forms D1940E, D1973E.
Identifiers: ClinVar variation 1381361 (VCV001381361.8), dbSNP rs767053963, ClinGen allele CA369209166.

ClinVar aggregate classification (germline): Uncertain significance. Review status: criteria provided, multiple submitters, no conflicts (2 of 4 stars). 2 submissions from 2 submitters: Uncertain significance (2). Last evaluated 2022-03-18.

Conditions:
Myofibrillar myopathy 5. Also called: Filaminopathy (type); FILAMINOPATHY, AUTOSOMAL DOMINANT. Identifiers: Orphanet 171445, MedGen C1836050, MONDO:0012289, OMIM 609524.
Distal myopathy with posterior leg and anterior hand involvement. Also called: WILLIAMS DISTAL MYOPATHY. Identifiers: Orphanet 63273, MedGen C3279722, MONDO:0013550, OMIM 614065.
Hypertrophic cardiomyopathy 26. Also called: Cardiomyopathy, familial hypertrophic, 26. Identifiers: Orphanet 75249, MedGen C4310749, MONDO:0014883, OMIM 617047.

Submissions (2):

Labcorp Genetics (formerly Invitae), Labcorp
Classification: Uncertain significance for Distal myopathy with posterior leg and anterior hand involvement; Myofibrillar myopathy 5; Hypertrophic cardiomyopathy 26. Last evaluated: 2022-03-18. Review status: criteria provided, single submitter. Criteria: Invitae Variant Classification Sherloc (09022015). Collection method: clinical testing. Allele origin: germline.
Comment: In summary, the available evidence is currently insufficient to determine the role of this variant in disease. Therefore, it has been classified as a Variant of Uncertain Significance. Algorithms developed to predict the effect of missense changes on protein structure and function are either unavailable or do not agree on the potential impact of this missense change (SIFT: "Tolerated"; PolyPhen-2: "Probably Damaging"; Align-GVGD: "Class C0"). This variant has not been reported in the literature in individuals affected with FLNC-related conditions. This variant is not present in population databases (gnomAD no frequency). This sequence change replaces aspartic acid, which is acidic and polar, with glutamic acid, which is acidic and polar, at codon 1973 of the FLNC protein (p.Asp1973Glu).

Revvity Omics, Revvity
Classification: Uncertain significance. Last evaluated: 2021-09-16. Review status: criteria provided, single submitter. Criteria: ACMG Guidelines, 2015. Collection method: clinical testing. Allele origin: germline.